The following is an entry in ClinVar:

ClinVar aggregate classification (germline): Likely benign (1 of 4 stars; one submission).

gnomAD v4.1: 509 of 1,614,036 alleles (0.032%); highest among the groups gnomAD compares: South Asian, 0.19%; 3 homozygotes.

Submission:

CeGaT Center for Human Genetics Tuebingen
Classification: Likely benign. Last evaluated: 2026-05-01. Review status: criteria provided, single submitter. Criteria: CeGaT Center For Human Genetics Tuebingen Variant Classification Criteria Version 2. Collection method: clinical testing. Allele origin: germline. Affected: yes. Observed: 1 variant allele.
Comment: DNAH3: BS2

NM_001347886.2(DNAH3):c.4753C>T (p.Arg1585Trp)

Gene: DNAH3 (dynein axonemal heavy chain 3; minus strand). Cytogenetic location: 16p12.3.
Variant type: single nucleotide variant.
Coding change: c.4753C>T on transcript NM_001347886.2 (MANE Select); coding-DNA position 4753, C replaced by T.
Protein change: p.Arg1585Trp; replaces arginine 1585 with tryptophan.
Molecular consequence: missense variant.
Genome position (GRCh38, 1-based): chr16:21,037,820, G>A on the plus strand (C>T on the coding strand, the complement: DNAH3 is on the minus strand). VCF-style: chr16-21037820-G-A. GRCh37 (hg19) VCF-style: chr16-21049142-G-A.
Other names: c.4891C>T, p.Arg1631Trp (NM_017539.2); short protein forms R1585W, R1631W.
Identifiers: ClinVar variation 4871973 (VCV004871973.2).